The following is an entry in ClinVar:

ClinVar aggregate classification (germline): Uncertain significance. Review status: criteria provided, multiple submitters, no conflicts (2 of 4 stars). 2 submissions from 2 submitters: Uncertain significance (2). Last evaluated 2026-01-11.

Conditions:
Inborn genetic diseases. Identifiers: MedGen C0950123, MeSH D030342.

Allele frequency attached by ClinVar (database versions not stated): gnomAD 0.00001; TOPMed 0.00001; gnomAD exomes 0.00001.
gnomAD v4.1: 19 of 1,614,098 alleles (0.0012%); highest among the groups gnomAD compares: Non-Finnish European, 0.0015%; no homozygotes.

Submissions (2):

Labcorp Genetics (formerly Invitae), Labcorp
Classification: Uncertain significance. Last evaluated: 2026-01-11. Review status: criteria provided, single submitter. Criteria: Invitae Variant Classification Sherloc (09022015). Collection method: clinical testing. Allele origin: germline.
Comment: This sequence change replaces arginine, which is basic and polar, with serine, which is neutral and polar, at codon 873 of the HK1 protein (p.Arg873Ser). This variant is not present in population databases (gnomAD no frequency). This variant has not been reported in the literature in individuals affected with HK1-related conditions. ClinVar contains an entry for this variant (Variation ID: 2458440). Invitae Evidence Modeling of protein sequence and biophysical properties (such as structural, functional, and spatial information, amino acid conservation, physicochemical variation, residue mobility, and thermodynamic stability) indicates that this missense variant is not expected to disrupt HK1 protein function with a negative predictive value of 80%. In summary, the available evidence is currently insufficient to determine the role of this variant in disease. Therefore, it has been classified as a Variant of Uncertain Significance.

Ambry Genetics
Classification: Uncertain significance for Inborn genetic diseases. Last evaluated: 2023-02-27. Review status: criteria provided, single submitter. Criteria: Ambry Variant Classification Scheme 2023. Collection method: clinical testing. Allele origin: germline.

NM_000188.3(HK1):c.2619A>T (p.Arg873Ser)

Gene: HK1 (hexokinase 1; plus strand). Cytogenetic location: 10q22.1.
Variant type: single nucleotide variant.
Coding change: c.2619A>T on transcript NM_000188.3 (MANE Select); coding-DNA position 2619, A replaced by T.
Protein change: p.Arg873Ser; replaces arginine 873 with serine.
Molecular consequence: missense variant.
Genome position (GRCh38, 1-based): chr10:69,401,000, A>T. VCF-style: chr10-69401000-A-T. GRCh37 (hg19) VCF-style: chr10-71160756-A-T.
Other names: c.2631A>T, p.Arg877Ser (NM_001322364.2, NM_001358263.1, NM_033497.3 and 1 more transcripts); c.2724A>T, p.Arg908Ser (NM_001322365.2); c.2535A>T, p.Arg845Ser (NM_001322366.1); c.2523A>T, p.Arg841Ser (NM_001322367.1); c.2616A>T, p.Arg872Ser (NM_033496.3); c.2583A>T, p.Arg861Ser (NM_033500.2); short protein forms R861S, R845S, R873S, R908S, R841S, R872S, R877S.
Identifiers: ClinVar variation 2458440 (VCV002458440.4), dbSNP rs1300671650, ClinGen allele CA376918010.
Genomic context (GRCh38, chr10:69,401,000, plus strand): 5'-CAGCGTCTCTCATCTTCCTCCAACTACCTTCTGTTTTCTCGTCCTTTTTAGCTTCTCCAG[A>T]ATCATGCACCAGACGGTGAAGGAACTGTCACCAAAATGTAACGTGTCCTTCCTCCTGTCT-3'
Protein context (NP_000179.2, residues 863-883): TLYKLHPHFS[Arg873Ser]IMHQTVKELS